The following is an entry in ClinVar:

ClinVar aggregate classification (germline): Pathogenic (1 of 4 stars; one submission).

Submission:

Labcorp Genetics (formerly Invitae), Labcorp
Classification: Pathogenic. Last evaluated: 2023-04-10. Review status: criteria provided, single submitter. Criteria: Invitae Variant Classification Sherloc (09022015). Collection method: clinical testing. Allele origin: germline.
Comment: For these reasons, this variant has been classified as Pathogenic. This variant has not been reported in the literature in individuals affected with POLE-related conditions. This variant is not present in population databases (gnomAD no frequency). This sequence change creates a premature translational stop signal (p.Glu1062*) in the POLE gene. It is expected to result in an absent or disrupted protein product. Loss-of-function variants in POLE are known to be pathogenic (PMID: 23230001, 25948378, 30503519).

Literature cited by the submitters: PubMed 23230001; PubMed 25948378; PubMed 30503519.

NM_006231.4(POLE):c.3184G>T (p.Glu1062Ter)

Gene: POLE (DNA polymerase epsilon, catalytic subunit; minus strand). Cytogenetic location: 12q24.33.
Variant type: single nucleotide variant.
Coding change: c.3184G>T on transcript NM_006231.4 (MANE Select); coding-DNA position 3184, G replaced by T.
Protein change: p.Glu1062Ter; replaces glutamic acid 1062 with a stop codon.
Molecular consequence: nonsense.
Genome position (GRCh38, 1-based): chr12:132,659,386, C>A on the plus strand (G>T on the coding strand, the complement: POLE is on the minus strand). VCF-style: chr12-132659386-C-A. GRCh37 (hg19) VCF-style: chr12-133235972-C-A.
Other names: short protein forms E1062*.
Identifiers: ClinVar variation 2854619 (VCV002854619.3), dbSNP rs2138676189, ClinGen allele CA387390700.
Genomic context (GRCh38, chr12:132,659,386, plus strand): 5'-GGGAGATGATGTAGCGGCAACTCAGCCCTGCATCCTTGACCATCTGGTCTCCCAGGAACT[C>A]GGCCAGGCGCTTTGCTGTGCTGATGGACGTAGACTTCTGCTCCCCGTAATCTTCCAGCTT-3'